The following is an entry in ClinVar:

NM_002386.4(MC1R):c.118A>C (p.Ile40Leu)

Gene: MC1R (melanocortin 1 receptor; plus strand). Cytogenetic location: 16q24.3.
Variant type: single nucleotide variant.
Coding change: c.118A>C on transcript NM_002386.4 (MANE Select); coding-DNA position 118, A replaced by C.
Protein change: p.Ile40Leu; replaces isoleucine 40 with leucine.
Molecular consequence: missense variant.
Genome position (GRCh38, 1-based): chr16:89,919,376, A>C. VCF-style: chr16-89919376-A-C. GRCh37 (hg19) VCF-style: chr16-89985784-A-C.
Other names: short protein forms I40L.
Identifiers: ClinVar variation 538160 (VCV000538160.6), dbSNP rs1555623738, ClinGen allele CA397459383.
Genomic context (GRCh38, chr16:89,919,376, plus strand): 5'-GCCATCCCCCAGCTGGGGCTGGCTGCCAACCAGACAGGAGCCCGGTGCCTGGAGGTGTCC[A>C]TCTCTGACGGGCTCTTCCTCAGCCTGGGGCTGGTGAGCTTGGTGGAGAACGCGCTGGTGG-3'
Protein context (NP_002377.4, residues 30-50): QTGARCLEVS[Ile40Leu]SDGLFLSLGL

ClinVar aggregate classification (germline): Uncertain significance (1 of 4 stars; one submission).

Conditions:
Melanoma, cutaneous malignant, susceptibility to, 5. Also called: Cutaneous malignant melanoma 5. Identifiers: Orphanet 618, MedGen C2751295, MONDO:0013133, OMIM 613099.

gnomAD v4.1: 2 of 1,613,248 alleles (0.00012%); highest among the groups gnomAD compares: South Asian, 0.0022%; no homozygotes.

Submission:

Labcorp Genetics (formerly Invitae), Labcorp
Classification: Uncertain significance for Melanoma, cutaneous malignant, susceptibility to, 5. Last evaluated: 2021-09-01. Review status: criteria provided, single submitter. Criteria: Invitae Variant Classification Sherloc (09022015). Collection method: clinical testing. Allele origin: germline.
Comment: This sequence change replaces isoleucine with leucine at codon 40 of the MC1R protein (p.Ile40Leu). The isoleucine residue is highly conserved and there is a small physicochemical difference between isoleucine and leucine. This variant is not present in population databases (ExAC no frequency). This variant has not been reported in the literature in individuals affected with MC1R-related conditions. Algorithms developed to predict the effect of missense changes on protein structure and function are either unavailable or do not agree on the potential impact of this missense change (SIFT: "Deleterious"; PolyPhen-2: "Benign"; Align-GVGD: "Class C0"). In summary, the available evidence is currently insufficient to determine the role of this variant in disease. Therefore, it has been classified as a Variant of Uncertain Significance.